The following is an entry in ClinVar:

NM_000179.3(MSH6):c.3266T>C (p.Leu1089Ser)

Gene: MSH6 (mutS homolog 6; plus strand). Cytogenetic location: 2p16.3.
Variant type: single nucleotide variant.
Coding change: c.3266T>C on transcript NM_000179.3 (MANE Select); coding-DNA position 3266, T replaced by C.
Protein change: p.Leu1089Ser; replaces leucine 1089 with serine.
Molecular consequence: missense variant.
Genome position (GRCh38, 1-based): chr2:47,803,513, T>C. VCF-style: chr2-47803513-T-C. GRCh37 (hg19) VCF-style: chr2-48030652-T-C.
Other names: c.2876T>C, p.Leu959Ser (NM_001281492.2); c.2360T>C, p.Leu787Ser (NM_001281493.2, NM_001281494.2); short protein forms L787S, L1089S, L959S.
Identifiers: ClinVar variation 951332 (VCV000951332.12), dbSNP rs1669748364, ClinGen allele CA346758184.

ClinVar aggregate classification (germline): Conflicting classifications of pathogenicity. Review status: criteria provided, conflicting classifications (1 of 4 stars). 3 submissions from 3 submitters: Likely pathogenic (1); Uncertain significance (2). Last evaluated 2024-10-09.

Conditions:
Lynch syndrome 5 (LYNCH5). Also called: Hereditary non-polyposis colorectal cancer, type 5; Colorectal cancer, hereditary nonpolyposis, type 5. Identifiers: Orphanet 144, MedGen C1833477, MONDO:0013710, OMIM 614350. Disease mechanism: loss of function.
Hereditary cancer-predisposing syndrome. Also called: Tumor predisposition; Hereditary neoplastic syndrome; Neoplastic Syndromes, Hereditary; Hereditary Cancer Syndrome. Identifiers: Orphanet 140162, MedGen C0027672, MeSH D009386, MONDO:0015356.
Hereditary nonpolyposis colorectal neoplasms. Identifiers: MedGen C0009405, MeSH D003123.

Submissions (3):

Ambry Genetics
Classification: Likely pathogenic for Hereditary cancer-predisposing syndrome. Last evaluated: 2024-10-09. Review status: criteria provided, single submitter. Criteria: Ambry Variant Classification Scheme 2023. Collection method: clinical testing. Allele origin: germline.
Comment: The p.L1089S variant (also known as c.3266T>C), located in coding exon 5 of the MSH6 gene, results from a T to C substitution at nucleotide position 3266. The leucine at codon 1089 is replaced by serine, an amino acid with dissimilar properties. This variant has been identified in a proband(s) whose Lynch syndrome-associated tumor demonstrated high microsatellite instability and loss of MSH6 expression by immunohistochemistry (Li S et al. J. Med. Genet. 2020 Jan;57:62-69; (Karschnia P et al. J Neurol Sci, 2020 Oct;417:117056). This amino acid position is highly conserved in available vertebrate species. Based on internal structural analysis, L1089S is deleterious. This variant is considered to be rare based on population cohorts in the Genome Aggregation Database (gnomAD). In addition, this alteration is predicted to be deleterious by in silico analysis. Based on the majority of available evidence to date, this variant is likely to be pathogenic.

Labcorp Genetics (formerly Invitae), Labcorp
Classification: Uncertain significance for Hereditary nonpolyposis colorectal neoplasms. Last evaluated: 2023-01-03. Review status: criteria provided, single submitter. Criteria: Invitae Variant Classification Sherloc (09022015). Collection method: clinical testing. Allele origin: germline.
Comment: In summary, the available evidence is currently insufficient to determine the role of this variant in disease. Therefore, it has been classified as a Variant of Uncertain Significance. Advanced modeling of protein sequence and biophysical properties (such as structural, functional, and spatial information, amino acid conservation, physicochemical variation, residue mobility, and thermodynamic stability) performed at Invitae indicates that this missense variant is expected to disrupt MSH6 protein function. ClinVar contains an entry for this variant (Variation ID: 951332). This missense change has been observed in individual(s) with Lynch syndrome (PMID: 32739502). This variant is not present in population databases (gnomAD no frequency). This sequence change replaces leucine, which is neutral and non-polar, with serine, which is neutral and polar, at codon 1089 of the MSH6 protein (p.Leu1089Ser).

Institute of Human Genetics, University of Leipzig Medical Center
Classification: Uncertain significance for Lynch syndrome 5. Last evaluated: 2020-01-07. Review status: criteria provided, single submitter. Criteria: ACMG Guidelines, 2015. Collection method: clinical testing. Allele origin: germline. Affected: yes. Observed: 1 variant allele.

Literature cited by the submitters: PubMed 32739502 (cited by Ambry Genetics and Labcorp Genetics (formerly Invitae), Labcorp).